The following is an entry in ClinVar:

NM_014679.5(CEP57):c.472G>A (p.Glu158Lys)

Gene: CEP57 (centrosomal protein 57; plus strand). Cytogenetic location: 11q21.
Variant type: single nucleotide variant.
Coding change: c.472G>A on transcript NM_014679.5 (MANE Select); coding-DNA position 472, G replaced by A.
Protein change: p.Glu158Lys; replaces glutamic acid 158 with lysine.
Molecular consequence: missense variant.
Genome position (GRCh38, 1-based): chr11:95,813,557, G>A. VCF-style: chr11-95813557-G-A. GRCh37 (hg19) VCF-style: chr11-95546721-G-A.
Other names: c.445G>A, p.Glu149Lys (NM_001243776.2); c.472G>A, p.Glu158Lys (NM_001243777.2); c.391G>A, p.Glu131Lys (NM_001363604.2); c.472G>A (NM_014679.4); short protein forms E149K, E131K, E158K.
Identifiers: ClinVar variation 1417097 (VCV001417097.10), dbSNP rs761049103, ClinGen allele CA6239481.
Genomic context (GRCh38, chr11:95,813,557, plus strand): 5'-AATAAATGCAATCTATTAGAAAAACAATTGGAATACATGCGAAATATGATAAAGCATGCC[G>A]AAATGGAGAGGACATCTGTCTTAGAGAAACAAGTAAGTAAAGCACCTCACAGATTGATAC-3'
Protein context (NP_055494.2, residues 148-168): EYMRNMIKHA[Glu158Lys]MERTSVLEKQ

ClinVar aggregate classification (germline): Uncertain significance. Review status: criteria provided, multiple submitters, no conflicts (2 of 4 stars). 2 submissions from 2 submitters: Uncertain significance (2). Last evaluated 2025-09-23.

Conditions:
Inborn genetic diseases. Identifiers: MedGen C0950123, MeSH D030342.
Mosaic variegated aneuploidy syndrome 2 (MVA2). Identifiers: Orphanet 1052, MedGen C3279843, MONDO:0013582, OMIM 614114.

Allele frequency attached by ClinVar (database versions not stated): gnomAD 0.00001; gnomAD exomes 0.00001; TOPMed 0.00001; ExAC 0.00002.
gnomAD v4.1: 17 of 1,613,018 alleles (0.0011%); highest among the groups gnomAD compares: East Asian, 0.0045%; no homozygotes.

Submissions (2):

Ambry Genetics
Classification: Uncertain significance for Inborn genetic diseases. Last evaluated: 2025-09-23. Review status: criteria provided, single submitter. Criteria: Ambry Variant Classification Scheme 2023. Collection method: clinical testing. Allele origin: germline.
Comment: The p.E158K variant (also known as c.472G>A), located in coding exon 4 of the CEP57 gene, results from a G to A substitution at nucleotide position 472. The glutamic acid at codon 158 is replaced by lysine, an amino acid with similar properties. This amino acid position is conserved. In addition, this alteration is predicted to be tolerated by in silico analysis. Based on the available evidence, the clinical significance of this variant remains unclear.

Labcorp Genetics (formerly Invitae), Labcorp
Classification: Uncertain significance for Mosaic variegated aneuploidy syndrome 2. Last evaluated: 2024-06-19. Review status: criteria provided, single submitter. Criteria: Invitae Variant Classification Sherloc (09022015). Collection method: clinical testing. Allele origin: germline.
Comment: This sequence change replaces glutamic acid, which is acidic and polar, with lysine, which is basic and polar, at codon 158 of the CEP57 protein (p.Glu158Lys). This variant is present in population databases (rs761049103, gnomAD 0.006%). This variant has not been reported in the literature in individuals affected with CEP57-related conditions. ClinVar contains an entry for this variant (Variation ID: 1417097). Advanced modeling of protein sequence and biophysical properties (such as structural, functional, and spatial information, amino acid conservation, physicochemical variation, residue mobility, and thermodynamic stability) performed at Invitae indicates that this missense variant is not expected to disrupt CEP57 protein function with a negative predictive value of 80%. In summary, the available evidence is currently insufficient to determine the role of this variant in disease. Therefore, it has been classified as a Variant of Uncertain Significance.